The following is an entry in ClinVar:

NM_000827.4(GRIA1):c.1453-5_1453-4dup

Gene: GRIA1 (glutamate ionotropic receptor AMPA type subunit 1; plus strand). Cytogenetic location: 5q33.2.
Variant type: Duplication.
Coding change: c.1453-5_1453-4dup on transcript NM_000827.4 (MANE Select); 5 bases into the intron before coding-DNA position 1453 through 4 bases into the intron before coding-DNA position 1453, 2 bases duplicated (TT; older notation c.1453-5_1453-4dupTT).
Molecular consequence: intron variant.
Genome position (GRCh38, 1-based): chr5:153,705,692-153,705,693, TT duplicated; duplicating any 2 consecutive bases within chr5:153,705,663-153,705,693 gives the same sequence; the c. name uses the placement nearest the transcript's 3' end. VCF-style (leftmost placement, unchanged base first): chr5-153705662-A-ATT. GRCh37 (hg19) VCF-style: chr5-153085222-A-ATT.
Other names: c.1480-5_1480-4dup (NM_001364166.2); c.1246-5_1246-4dup (NM_001364167.2, NM_001258023.1); c.1168-5_1168-4dup (NM_001258020.2); c.1453-5_1453-4dup (NM_001114183.2); c.1285-5_1285-4dup (NM_001364165.2); c.1213-5_1213-4dup (NM_001258019.2); c.1483-5_1483-4dup (NM_001258021.2, NM_001258022.2).
Identifiers: ClinVar variation 4980533 (VCV004980533.1).

ClinVar aggregate classification (germline): Likely benign (1 of 4 stars; one submission).

Conditions:
GRIA1-related disorder. Also called: GRIA1-related condition.

Submission:

PreventionGenetics, part of Exact Sciences
Classification: Likely benign for GRIA1-related condition. Last evaluated: 2026-01-20. Review status: criteria provided, single submitter. Criteria: ACMG Guidelines, 2015. Collection method: clinical testing. Allele origin: germline.
Comment: This variant is classified as likely benign based on ACMG/AMP sequence variant interpretation guidelines (Richards et al. 2015 PMID: 25741868, with internal and published modifications).